The following is an entry in ClinVar:

ClinVar aggregate classification (germline): Pathogenic. Review status: criteria provided, multiple submitters, no conflicts (2 of 4 stars). 6 submissions from 6 submitters: Pathogenic (6). Last evaluated 2025-10-27.

Conditions:
ARSB-related disorder. Also called: ARSB-related condition.
Mucopolysaccharidosis type 6 (MPS6). Also called: MPS VI; N-ACETYLGALACTOSAMINE-4-SULFATASE DEFICIENCY; ARSB DEFICIENCY; ARYLSULFATASE B DEFICIENCY; MPS 6; Maroteaux Lamy syndrome. Identifiers: Orphanet 583, MedGen C0026709, MONDO:0009661, OMIM 253200.

Submissions (6):

Natera, Inc.
Classification: Pathogenic for Mucopolysaccharidosis type VI. Last evaluated: 2025-10-27. Review status: criteria provided, single submitter. Criteria: Natera Variant Classification Schema (03/2026). Collection method: clinical testing. Allele origin: germline.
Comment: The c.427delG variant in ARSB is a frameshift variant predicted to shift the reading frame beginning at codon 143 and leads to a stop codon 41 codons downstream. This variant is expected to result in nonsense mediated decay, truncation, or a dysfunctional protein product. This variant is rare in the general population with a frequency below the threshold expected for the associated phenotype(s). This variant has been observed in one or more individuals affected with the associated recessive disease, as either homozygous or compound heterozygous with a second variant (PMID: 14974081, 17643332). Given the available evidence, this variant is classified as Pathogenic.

Labcorp Genetics (formerly Invitae), Labcorp
Classification: Pathogenic for Mucopolysaccharidosis type 6. Last evaluated: 2025-10-02. Review status: criteria provided, single submitter. Criteria: Invitae Variant Classification Sherloc (09022015). Collection method: clinical testing. Allele origin: germline.
Comment: This sequence change creates a premature translational stop signal (p.Val143Serfs*41) in the ARSB gene. It is expected to result in an absent or disrupted protein product. Loss-of-function variants in ARSB are known to be pathogenic (PMID: 17458871, 22133300). This variant is present in population databases (rs766914147, gnomAD 0.02%). This premature translational stop signal has been observed in individuals with mucopolysaccharidosis type VI (PMID: 14974081, 16435196, 17643332). ClinVar contains an entry for this variant (Variation ID: 559782). For these reasons, this variant has been classified as Pathogenic.

Women's Health and Genetics/Laboratory Corporation of America, LabCorp
Classification: Pathogenic for Mucopolysaccharidosis type 6. Last evaluated: 2025-03-05. Review status: criteria provided, single submitter. Criteria: LabCorp Variant Classification Summary - May 2015. Collection method: clinical testing. Allele origin: germline.
Comment: Variant summary: ARSB c.427delG (p.Val143SerfsX41) results in a premature termination codon, predicted to cause a truncation of the encoded protein or absence of the protein due to nonsense mediated decay, which are commonly known mechanisms for disease. The variant allele was found at a frequency of 2e-05 in 251458 control chromosomes. c.427delG has been reported in the literature in multiple individuals affected with Mucopolysaccharidosis Type VI (Maroteaux-Lamy Syndrome) (example: Karageorgos_2007). These data indicate that the variant is very likely to be associated with disease. At least one publication reports experimental evidence evaluating an impact on protein function. The following publications have been ascertained in the context of this evaluation (PMID: 17458871, 17643332, 16435196). ClinVar contains an entry for this variant (Variation ID: 559782). Based on the evidence outlined above, the variant was classified as pathogenic.

Blueprint Genetics
Classification: Pathogenic for ARSB-related disorders. Last evaluated: 2023-11-02. Review status: criteria provided, single submitter. Criteria: ACMG Guidelines, 2015. Collection method: clinical testing. Allele origin: germline. Affected: yes. Observed: 5 variant alleles.

Mendelics
Classification: Pathogenic for Mucopolysaccharidosis type 6. Last evaluated: 2022-05-04. Review status: criteria provided, single submitter. Criteria: Mendelics Assertion Criteria 2019. Collection method: clinical testing. Allele origin: germline.

Laboratory of Diagnosis and Therapy of Lysosomal Disorders, University of Padova
Classification: Pathogenic for Mucopolysaccharidosis type 6. Last evaluated: 2018-01-01. Review status: criteria provided, single submitter. Criteria: ACMG Guidelines, 2015. Collection method: curation. Allele origin: germline. Affected: yes.
Comment: Frameshift variant(PVS1); In vitro functional studies supportive of a damaging effect on the gene product (demonstrated nonsense mediated RNA decay; PS3); Very low frequency in ExAc (PM2)

Literature cited by the submitters: PubMed 14974081 (cited by 3 submitters); PubMed 17643332 (cited by 4 submitters); PubMed 17458871 (cited by 3 submitters); PubMed 22133300 (cited by Labcorp Genetics (formerly Invitae), Labcorp); PubMed 16435196 (cited by 3 submitters); PubMed 24767253 (cited by Laboratory of Diagnosis and Therapy of Lysosomal Disorders, University of Padova); PubMed 18406185 (cited by Laboratory of Diagnosis and Therapy of Lysosomal Disorders, University of Padova); PubMed 30118150 (cited by Laboratory of Diagnosis and Therapy of Lysosomal Disorders, University of Padova).

NM_000046.5(ARSB):c.427del (p.Val143fs)

Gene: ARSB (arylsulfatase B; minus strand). Cytogenetic location: 5q14.1.
Variant type: Deletion.
Coding change: c.427del on transcript NM_000046.5 (MANE Select); coding-DNA position 427, one base deleted (G; older notation c.427delG).
Protein change: p.Val143fs; shifts the reading frame from valine 143.
Molecular consequence: frameshift variant.
Genome position (GRCh38, 1-based): chr5:78,969,078, C deleted on the plus strand (G on the coding strand, the reverse complement: ARSB is on the minus strand); the first of 2 consecutive C bases (chr5:78,969,078-78,969,079); deleting either gives the same sequence. VCF-style (leftmost placement, unchanged base first): chr5-78969077-AC-A. GRCh37 (hg19) VCF-style: chr5-78264900-AC-A.
Other names: c.427del, p.Val143fs (NM_198709.3); c.427delG (NM_000046.5, NM_000046.4); short protein forms V143fs.
Identifiers: ClinVar variation 559782 (VCV000559782.19), dbSNP rs766914147, ClinGen allele CA3318269.